The following is an entry in ClinVar:

ClinVar aggregate classification (germline): Likely benign. Review status: criteria provided, single submitter (1 of 4 stars). 2 submissions from 2 submitters: Likely benign (1). 1 of the submissions does not count toward it. Last evaluated 2025-09-02.

Conditions:
QARS1-related disorder. Also called: QARS1-related condition.
Diffuse cerebral and cerebellar atrophy - intractable seizures - progressive microcephaly syndrome. Also called: Microcephaly, progressive, with seizures and cerebral and cerebellar atrophy. Identifiers: Orphanet 404437, MedGen C4014239, MONDO:0014335, OMIM 615760.

Allele frequency attached by ClinVar (database versions not stated): gnomAD exomes below 0.00001 and 0.00001; TOPMed 0.00001; gnomAD 0.00002.
gnomAD v4.1: 24 of 1,607,696 alleles (0.0015%); highest among the groups gnomAD compares: Non-Finnish European, 0.0019%; no homozygotes.

Submissions (2):

Labcorp Genetics (formerly Invitae), Labcorp
Classification: Likely benign for Diffuse cerebral and cerebellar atrophy - intractable seizures - progressive microcephaly syndrome. Last evaluated: 2025-09-02. Review status: criteria provided, single submitter. Criteria: Invitae Variant Classification Sherloc (09022015). Collection method: clinical testing. Allele origin: germline.

PreventionGenetics, part of Exact Sciences
Classification: Likely benign for QARS1-related condition. Last evaluated: 2024-08-27. Review status: no assertion criteria provided. Collection method: clinical testing. Allele origin: germline. Not counted in ClinVar's aggregate classification.
Comment: This variant is classified as likely benign based on ACMG/AMP sequence variant interpretation guidelines (Richards et al. 2015 PMID: 25741868, with internal and published modifications).

NM_005051.3(QARS1):c.954C>A (p.Ile318=)

Gene: QARS1 (glutaminyl-tRNA synthetase 1; minus strand). Cytogenetic location: 3p21.31.
Variant type: single nucleotide variant.
Coding change: c.954C>A on transcript NM_005051.3 (MANE Select); coding-DNA position 954, C replaced by A.
Protein change: p.Ile318=; no amino-acid change (isoleucine 318 retained).
Molecular consequence: synonymous variant. On other transcripts: non-coding transcript variant (1).
Genome position (GRCh38, 1-based): chr3:49,100,597, G>T on the plus strand (C>A on the coding strand, the complement: QARS1 is on the minus strand). VCF-style: chr3-49100597-G-T. GRCh37 (hg19) VCF-style: chr3-49138030-G-T.
Other names: c.921C>A, p.Ile307= (NM_001272073.2).
Identifiers: ClinVar variation 762873 (VCV000762873.9), dbSNP rs1403428399, ClinGen allele CA433631188.